The following is an entry in ClinVar:

ClinVar aggregate classification (germline): Uncertain significance (1 of 4 stars; one submission).

Conditions:
Primary ciliary dyskinesia. Also called: Ciliary dyskinesia. Identifiers: Orphanet 244, MedGen C0008780, MONDO:0016575, HP:0012265.

Allele frequency attached by ClinVar (database versions not stated): gnomAD exomes below 0.00001; ExAC 0.00001.
gnomAD v4.1: 2 of 1,613,860 alleles (0.00012%); highest among the groups gnomAD compares: Admixed American, 0.0033%; no homozygotes.

Submission:

Ambry Genetics
Classification: Uncertain significance for Primary ciliary dyskinesia. Last evaluated: 2022-09-13. Review status: criteria provided, single submitter. Criteria: Ambry Variant Classification Scheme 2023. Collection method: clinical testing. Allele origin: germline.
Comment: The p.T750I variant (also known as c.2249C>T), located in coding exon 14 of the ARMC4 gene, results from a C to T substitution at nucleotide position 2249. The threonine at codon 750 is replaced by isoleucine, an amino acid with similar properties. This amino acid position is conserved. In addition, this alteration is predicted to be tolerated by in silico analysis. Since supporting evidence is limited at this time, the clinical significance of this alteration remains unclear.

NM_018076.5(ODAD2):c.2249C>T (p.Thr750Ile)

Gene: ODAD2 (outer dynein arm docking complex subunit 2; minus strand). Cytogenetic location: 10p12.1.
Variant type: single nucleotide variant.
Coding change: c.2249C>T on transcript NM_018076.5 (MANE Select); coding-DNA position 2249, C replaced by T.
Protein change: p.Thr750Ile; replaces threonine 750 with isoleucine.
Molecular consequence: missense variant.
Genome position (GRCh38, 1-based): chr10:27,936,729, G>A on the plus strand (C>T on the coding strand, the complement: ODAD2 is on the minus strand). VCF-style: chr10-27936729-G-A. GRCh37 (hg19) VCF-style: chr10-28225658-G-A.
Other names: c.2249C>T, p.Thr750Ile (NM_001290020.2); c.824C>T, p.Thr275Ile (NM_001290021.2); c.1325C>T, p.Thr442Ile (NM_001312689.2); short protein forms T275I, T442I, T750I.
Identifiers: ClinVar variation 1799977 (VCV001799977.2), dbSNP rs772725937, ClinGen allele CA5453267.